The following is an entry in ClinVar:

NM_003803.4(MYOM1):c.2713G>T (p.Glu905Ter)

Gene: MYOM1 (myomesin 1; minus strand). Cytogenetic location: 18p11.31.
Variant type: single nucleotide variant.
Coding change: c.2713G>T on transcript NM_003803.4 (MANE Select); coding-DNA position 2713, G replaced by T.
Protein change: p.Glu905Ter; replaces glutamic acid 905 with a stop codon.
Molecular consequence: nonsense. On other transcripts: intron variant (1).
Genome position (GRCh38, 1-based): chr18:3,129,313, C>A on the plus strand (G>T on the coding strand, the complement: MYOM1 is on the minus strand). VCF-style: chr18-3129313-C-A. GRCh37 (hg19) VCF-style: chr18-3129311-C-A.
Other names: c.2506+2062G>T (NM_019856.2); short protein forms E905*.
Identifiers: ClinVar variation 1010697 (VCV001010697.6), dbSNP rs2079840976, ClinGen allele CA401709792.
Genomic context (GRCh38, chr18:3,129,313, plus strand): 5'-GGGGGTCAGACTTACTTTTCCCCTGAGGAGCCGCTTTCTGTGGTGGCGGGGTAAGCTCTT[C>A]CTGAACTGTTTCACTTACTTTACTCACTTCTGTTTGGCCCAGGTTTTGAGAGCTACTGGG-3'

ClinVar aggregate classification (germline): Uncertain significance (1 of 4 stars; one submission).

Conditions:
Hypertrophic cardiomyopathy. Also called: HYPERTROPHIC MYOCARDIOPATHY. Identifiers: Orphanet 217569, MedGen C0007194, MeSH D002312, MONDO:0005045, HP:0001639.

Allele frequency attached by ClinVar (database versions not stated): gnomAD exomes below 0.00001.
gnomAD v4.1: 2 of 1,613,964 alleles (0.00012%); highest among the groups gnomAD compares: Non-Finnish European, 0.00017%; no homozygotes.

Submission:

Labcorp Genetics (formerly Invitae), Labcorp
Classification: Uncertain significance for Hypertrophic cardiomyopathy. Last evaluated: 2025-01-27. Review status: criteria provided, single submitter. Criteria: Invitae Variant Classification Sherloc (09022015). Collection method: clinical testing. Allele origin: germline.
Comment: This sequence change creates a premature translational stop signal (p.Glu905*) in the MYOM1 gene. It is expected to result in an absent or disrupted protein product. However, the current clinical and genetic evidence is not sufficient to establish whether loss-of-function variants in MYOM1 cause disease. This variant is not present in population databases (gnomAD no frequency). This variant has not been reported in the literature in individuals affected with MYOM1-related conditions. ClinVar contains an entry for this variant (Variation ID: 1010697). Algorithms developed to predict the effect of sequence changes on RNA splicing suggest that this variant may create or strengthen a splice site. In summary, the available evidence is currently insufficient to determine the role of this variant in disease. Therefore, it has been classified as a Variant of Uncertain Significance.